The following is an entry in ClinVar:

NM_024675.4(PALB2):c.2732C>T (p.Thr911Ile)

Gene: PALB2 (partner and localizer of BRCA2; minus strand). Cytogenetic location: 16p12.2.
Variant type: single nucleotide variant.
Coding change: c.2732C>T on transcript NM_024675.4 (MANE Select); coding-DNA position 2732, C replaced by T.
Protein change: p.Thr911Ile; replaces threonine 911 with isoleucine.
Molecular consequence: missense variant.
Genome position (GRCh38, 1-based): chr16:23,626,252, G>A on the plus strand (C>T on the coding strand, the complement: PALB2 is on the minus strand). VCF-style: chr16-23626252-G-A. GRCh37 (hg19) VCF-style: chr16-23637573-G-A.
Other names: p.T911I:ACC>ATC; short protein forms T911I.
Identifiers: ClinVar variation 126676 (VCV000126676.26), dbSNP rs180177123, ClinGen allele CA269564.

ClinVar aggregate classification (germline): Conflicting classifications of pathogenicity. Review status: criteria provided, conflicting classifications (1 of 4 stars). 7 submissions from 7 submitters: Uncertain significance (5); Likely benign (1). 1 of the submissions does not count toward it. Last evaluated 2025-10-29.

Conditions:
Hereditary cancer-predisposing syndrome. Also called: Hereditary Cancer Syndrome; Hereditary neoplastic syndrome; Tumor predisposition; Neoplastic Syndromes, Hereditary. Identifiers: Orphanet 140162, MedGen C0027672, MeSH D009386, MONDO:0015356.
Familial cancer of breast. Also called: BREAST CANCER, FAMILIAL; hereditary breast carcinoma; Hereditary breast cancer. Identifiers: Orphanet 227535, MedGen C0346153, MONDO:0016419, OMIM 114480. Disease mechanism: loss of function.

Allele frequency attached by ClinVar (database versions not stated): TOPMed 0.00001.
gnomAD v4.1: 1 of 1,614,116 alleles (0.000062%); highest among the groups gnomAD compares: Middle Eastern, 0.016%; no homozygotes.

Submissions (7):

Labcorp Genetics (formerly Invitae), Labcorp
Classification: Uncertain significance for Familial cancer of breast. Last evaluated: 2025-10-29. Review status: criteria provided, single submitter. Criteria: Invitae Variant Classification Sherloc (09022015). Collection method: clinical testing. Allele origin: germline.
Comment: This sequence change replaces threonine, which is neutral and polar, with isoleucine, which is neutral and non-polar, at codon 911 of the PALB2 protein (p.Thr911Ile). This variant is not present in population databases (gnomAD no frequency). This missense change has been observed in individual(s) with pancreatic cancer, prostate cancer, colorectal cancer, and breast cancer (PMID: 19635604, 26898890; internal data). This missense change has been observed to co-occur in individuals with a different variant in PALB2 that has been determined to be pathogenic (PMID: 19635604, 26898890; internal data), but the significance of this finding is unclear. ClinVar contains an entry for this variant (Variation ID: 126676). Invitae Evidence Modeling of protein sequence and biophysical properties (such as structural, functional, and spatial information, amino acid conservation, physicochemical variation, residue mobility, and thermodynamic stability) indicates that this missense variant is expected to disrupt PALB2 protein function with a positive predictive value of 80%. In summary, the available evidence is currently insufficient to determine the role of this variant in disease. Therefore, it has been classified as a Variant of Uncertain Significance.

Ambry Genetics
Classification: Likely benign for Hereditary cancer-predisposing syndrome. Last evaluated: 2025-06-17. Review status: criteria provided, single submitter. Criteria: Ambry Variant Classification Scheme 2023. Collection method: clinical testing. Allele origin: germline.

Baylor Genetics
Classification: Uncertain significance for Familial cancer of breast. Last evaluated: 2024-02-13. Review status: criteria provided, single submitter. Criteria: ACMG Guidelines, 2015. Collection method: clinical testing. Allele origin: unknown.

Color Diagnostics, LLC DBA Color Health
Classification: Uncertain significance for Hereditary cancer-predisposing syndrome. Last evaluated: 2020-07-28. Review status: criteria provided, single submitter. Criteria: ACMG Guidelines, 2015. Collection method: clinical testing. Allele origin: germline.
Comment: This missense variant replaces threonine with isoleucine at codon 911 of the PALB2 protein. Computational prediction suggests that this variant may not impact protein structure and function (internally defined REVEL score threshold <= 0.5, PMID: 27666373). To our knowledge, functional studies have not been reported for this variant. This variant has been reported in an individual affected with breast cancer with family history of the disease (PMID: 26898890) and an individual affected with pancreatic cancer (PMID: 19635604). This variant has not been identified in the general population by the Genome Aggregation Database (gnomAD). The available evidence is insufficient to determine the role of this variant in disease conclusively. Therefore, this variant is classified as a Variant of Uncertain Significance.

Women's Health and Genetics/Laboratory Corporation of America, LabCorp
Classification: Uncertain significance. Last evaluated: 2016-07-11. Review status: criteria provided, single submitter. Criteria: LabCorp Variant Classification Summary - May 2015. Collection method: clinical testing. Allele origin: germline.
Comment: Variant summary: The PALB2 c.2732C>T (p.Thr911Ile) variant involves the alteration of a conserved nucleotide. 4/4 in silico tools predict a damaging outcome for this variant (SNPs&GO not captured due to low reliability index). PALB2 Thr911Ile alters an amino acid that is moderately conserved across species and is located in the WD40 repeat domain, the region responsible for interaction with RAD51, BRCA2, and POLH (Uniprot). This variant is absent in 121368 control chromosomes, but has been reported in one young-onset pancreas cancer case with no family history (Tischkowitz_Gastroenterology_2009) and one HBOC patient (Caminsky_ATM_Hum Mut_2016). In addition, multiple clinical diagnostic laboratories/reputable databases classified this variant as VUS. Because of limited clinical information and lack of functional studies, the variant was classified as a variant of uncertain significance (VUS) until additional information becomes available.

GeneDx
Classification: Uncertain significance. Last evaluated: 2014-05-22. Review status: criteria provided, single submitter. Criteria: GeneDx Variant Classification (06012015). Collection method: clinical testing. Allele origin: germline. Affected: yes.
Comment: This variant is denoted PALB2 c.2732C>T at the cDNA level, p.Thr911Ile (T911I) at the protein level, and results in the change of a Threonine to an Isoleucine (ACC>ATC). This variant has been previously reported in a patient with early onset pancreatic cancer with no family history (Tischkowitz 2009). PALB2 Thr911Ile was not observed in approximately 6,500 individuals of European and African American ancestry in the NHLBI Exome Sequencing Project, suggesting it is not a common benign variant in these populations. Since Threonine and Isoleucine differ in polarity, size or other properties, this is considered a non-conservative amino acid substitution. PALB2 Thr911Ile occurs at a position that is moderately conserved across species and is located in the WD1 repeat domain, the region responsible for interaction with RAD51, BRCA2 and POLH (Uniprot). In addition, in silico analyses predict that this variant is probably damaging to protein structure and function. Based on currently available information, it is unclear whether PALB2 Thr911Ile is pathogenic or benign. We consider it to be a variant of uncertain significance.

Leiden Open Variation Database
Classification: Uncertain significance for Familial cancer of breast. Last evaluated: 2019-05-13. Review status: no assertion criteria provided. Collection method: curation. Allele origin: germline. Affected: yes. Not counted in ClinVar's aggregate classification.
Comment: Curators: Marc Tischkowitz, Arleen D. Auerbach. Submitter to LOVD: Marc Tischkowitz.

Literature cited by the submitters: PubMed 19635604 (cited by 4 submitters); PubMed 26898890 (cited by 3 submitters).